The following is an entry in ClinVar:

ClinVar aggregate classification (germline): Uncertain significance (1 of 4 stars; one submission).

Conditions:
Emery-Dreifuss muscular dystrophy 5, autosomal dominant (EDMD5). Also called: EMERY-DREIFUSS MUSCULAR DYSTROPHY 5. Identifiers: Orphanet 261, MedGen C2751805, MONDO:0013072, OMIM 612999.

Allele frequency attached by ClinVar (database versions not stated): gnomAD exomes below 0.00001 and 0.00001; TOPMed below 0.00001.
gnomAD v4.1: 2 of 1,613,978 alleles (0.00012%); highest among the groups gnomAD compares: Admixed American, 0.0017%; no homozygotes.

Submission:

Labcorp Genetics (formerly Invitae), Labcorp
Classification: Uncertain significance for Emery-Dreifuss muscular dystrophy 5, autosomal dominant. Last evaluated: 2022-10-24. Review status: criteria provided, single submitter. Criteria: Invitae Variant Classification Sherloc (09022015). Collection method: clinical testing. Allele origin: germline.
Comment: This sequence change replaces aspartic acid, which is acidic and polar, with valine, which is neutral and non-polar, at codon 1950 of the SYNE2 protein (p.Asp1950Val). This variant is present in population databases (no rsID available, gnomAD 0.003%). This variant has not been reported in the literature in individuals affected with SYNE2-related conditions. ClinVar contains an entry for this variant (Variation ID: 1429769). Algorithms developed to predict the effect of missense changes on protein structure and function are either unavailable or do not agree on the potential impact of this missense change (SIFT: "Deleterious"; PolyPhen-2: "Possibly Damaging"; Align-GVGD: "Class C0"). In summary, the available evidence is currently insufficient to determine the role of this variant in disease. Therefore, it has been classified as a Variant of Uncertain Significance.

NM_182914.3(SYNE2):c.5849A>T (p.Asp1950Val)

Gene: SYNE2 (spectrin repeat containing nuclear envelope protein 2; plus strand). Cytogenetic location: 14q23.2.
Variant type: single nucleotide variant.
Coding change: c.5849A>T on transcript NM_182914.3 (MANE Select); coding-DNA position 5849, A replaced by T.
Protein change: p.Asp1950Val; replaces aspartic acid 1950 with valine.
Molecular consequence: missense variant.
Genome position (GRCh38, 1-based): chr14:64,024,920, A>T. VCF-style: chr14-64024920-A-T. GRCh37 (hg19) VCF-style: chr14-64491638-A-T.
Other names: c.5849A>T, p.Asp1950Val (NM_015180.6); short protein forms D1950V.
Identifiers: ClinVar variation 1429769 (VCV001429769.6), dbSNP rs1360576800, ClinGen allele CA389944672.